The following is an entry in ClinVar:

NM_001267550.2(TTN):c.69816_69817insGATT (p.Thr23273fs)

Genes: TTN (titin; minus strand), TTN-AS1 (TTN antisense RNA 1; plus strand), LOC126806422 (BRD4-independent group 4 enhancer GRCh37_chr2:179440205-179441404; plus strand). Cytogenetic location: 2q31.2.
Variant type: Insertion.
Coding change: c.69816_69817insGATT on transcript NM_001267550.2 (MANE Select); coding-DNA positions 69816 to 69817, GATT inserted.
Protein change: p.Thr23273fs; shifts the reading frame from threonine 23273.
Molecular consequence: frameshift variant.
Genome position: GRCh38 VCF-style: chr2-178576315-T-TAATC. GRCh37 (hg19) VCF-style: chr2-179441042-T-TAATC.
Other names: c.64893_64894insGATT, p.Thr21632fs (NM_001256850.1); c.42621_42622insGATT, p.Thr14208fs (NM_003319.4); c.62112_62113insGATT, p.Thr20705fs (NM_133378.4); c.42996_42997insGATT, p.Thr14333fs (NM_133432.3); c.43197_43198insGATT, p.Thr14400fs (NM_133437.4); short protein forms T14208fs, T14333fs, T14400fs, T20705fs, T21632fs, T23273fs.
Identifiers: ClinVar variation 4820452 (VCV004820452.1).

ClinVar aggregate classification (germline): Likely pathogenic (1 of 4 stars; one submission).

Conditions:
Cardiovascular phenotype. Identifiers: MedGen CN230736.

Submission:

Molecular Diagnostic Laboratory for Inherited Cardiovascular Disease, Montreal Heart Institute
Classification: Likely pathogenic for Cardiovascular phenotype. Last evaluated: 2025-12-09. Review status: criteria provided, single submitter. Criteria: ACMG Guidelines, 2015. Collection method: clinical testing. Allele origin: germline. Affected: yes.
Comment: PVS1, PM2